The following is an entry in ClinVar:

NM_000282.4(PCCA):c.1430G>T (p.Gly477Val)

Gene: PCCA (propionyl-CoA carboxylase subunit alpha; plus strand). Cytogenetic location: 13q32.3.
Variant type: single nucleotide variant.
Coding change: c.1430G>T on transcript NM_000282.4 (MANE Select); coding-DNA position 1430, G replaced by T.
Protein change: p.Gly477Val; replaces glycine 477 with valine.
Molecular consequence: missense variant. On other transcripts: non-coding transcript variant (5).
Genome position (GRCh38, 1-based): chr13:100,330,561, G>T. VCF-style: chr13-100330561-G-T. GRCh37 (hg19) VCF-style: chr13-100982815-G-T.
Other names: c.1352G>T, p.Gly451Val (NM_001127692.3, NM_001352607.2); c.1430G>T, p.Gly477Val (NM_001178004.2, NM_001352605.2, NM_001352609.2); c.1286G>T, p.Gly429Val (NM_001352606.2); c.1208G>T, p.Gly403Val (NM_001352608.2); c.485G>T, p.Gly162Val (NM_001352610.2, NM_001352611.2); c.341G>T, p.Gly114Val (NM_001352612.2); short protein forms G477V, G429V, G403V, G451V, G114V, G162V.
Identifiers: ClinVar variation 550273 (VCV000550273.15), dbSNP rs776355907, ClinGen allele CA388696047.

ClinVar aggregate classification (germline): Conflicting classifications of pathogenicity. Review status: criteria provided, conflicting classifications (1 of 4 stars). 2 submissions from 2 submitters: Pathogenic (1); Uncertain significance (1). Last evaluated 2026-01-18.

Conditions:
Propionic acidemia (PROP). Also called: GLYCINEMIA, KETOTIC; HYPERGLYCINEMIA WITH KETOACIDOSIS AND LEUKOPENIA; KETOTIC HYPERGLYCINEMIA. Identifiers: Orphanet 35, MedGen C0268579, MONDO:0011628, OMIM 606054, HP:0003571.

Allele frequency attached by ClinVar (database versions not stated): gnomAD 0.00001; TOPMed 0.00002.
gnomAD v4.1: 32 of 1,551,784 alleles (0.0021%); highest among the groups gnomAD compares: Non-Finnish European, 0.0027%; no homozygotes.

Submissions (2):

Labcorp Genetics (formerly Invitae), Labcorp
Classification: Pathogenic for Propionic acidemia. Last evaluated: 2026-01-18. Review status: criteria provided, single submitter. Criteria: Invitae Variant Classification Sherloc (09022015). Collection method: clinical testing. Allele origin: germline.
Comment: This sequence change replaces glycine, which is neutral and non-polar, with valine, which is neutral and non-polar, at codon 477 of the PCCA protein (p.Gly477Val). RNA analysis indicates that this missense change induces altered splicing and likely results in a shortened protein product. This variant is not present in population databases (gnomAD no frequency). This missense change has been observed in individual(s) with clinical features of propionic acidemia (PMID: 17051315; internal data). In at least one individual the data is consistent with being in trans (on the opposite chromosome) from a pathogenic variant. ClinVar contains an entry for this variant (Variation ID: 550273). An algorithm developed to predict the effect of missense changes on protein structure and function (PolyPhen-2) suggests that this variant is likely to be disruptive. Studies have shown that this missense change results in skipping of exon 17, but is expected to preserve the integrity of the reading-frame (PMID: 17051315). For these reasons, this variant has been classified as Pathogenic.

Myriad Genetics, Inc.
Classification: Uncertain significance for Propionic acidemia. Last evaluated: 2021-11-08. Review status: criteria provided, single submitter. Criteria: Myriad Women's Health Autosomal Recessive and X-Linked Classification Criteria (2021). Collection method: clinical testing. Allele origin: unknown.
Comment: NM_000282.3(PCCA):c.1430G>T(G477V) is a missense variant classified as a variant of uncertain significance in the context of PCCA-related propionic acidemia. G477V has been observed in cases with relevant disease (PMID: 17051315). Functional assessments of this variant are not available in the literature. G477V has not been observed in population frequency databases. In summary, there is insufficient evidence to classify NM_000282.3(PCCA):c.1430G>T(G477V) as pathogenic or benign. Please note: this variant was assessed in the context of healthy population screening.

Literature cited by the submitters: PubMed 17051315 (cited by Labcorp Genetics (formerly Invitae), Labcorp and Myriad Genetics, Inc.).